The following is an entry in ClinVar:

ClinVar aggregate classification (germline): Uncertain significance (1 of 4 stars; one submission).

gnomAD v4.1: 1 of 1,545,480 alleles (0.000065%); highest among the groups gnomAD compares: Non-Finnish European, 0.000088%; no homozygotes.

Submission:

GeneDx
Classification: Uncertain significance. Last evaluated: 2025-08-12. Review status: criteria provided, single submitter. Criteria: GeneDx Variant Classification Process June 2021. Collection method: clinical testing. Allele origin: germline. Affected: yes.
Comment: Not observed at significant frequency in large population cohorts (gnomAD); In silico analysis suggests that this variant does not alter splicing; Has not been previously published as pathogenic or benign to our knowledge

NM_004807.3(HS6ST1):c.339G>A (p.Glu113=)

Gene: HS6ST1 (heparan sulfate 6-O-sulfotransferase 1; minus strand). Cytogenetic location: 2q14.3.
Variant type: single nucleotide variant.
Coding change: c.339G>A on transcript NM_004807.3 (MANE Select); coding-DNA position 339, G replaced by A.
Protein change: p.Glu113=; no amino-acid change (glutamic acid 113 retained).
Molecular consequence: synonymous variant.
Genome position (GRCh38, 1-based): chr2:128,318,225, C>T on the plus strand (G>A on the coding strand, the complement: HS6ST1 is on the minus strand). VCF-style: chr2-128318225-C-T. GRCh37 (hg19) VCF-style: chr2-129075799-C-T.
Identifiers: ClinVar variation 4795712 (VCV004795712.1).
Genomic context (GRCh38, chr2:128,318,225, plus strand): 5'-GCGGCGGTTGGGCCGGTAGCAGGTGCACTTCTTCTGGCCGGGCCGGCAGTCGCACGGCAC[C>T]TCGAGGCGTACGTTCTGCACGAGGTGGCGGCCGAAGGTGGTGCCGCCCGTCTTCTGGATG-3'
Protein context (NP_004798.3, residues 103-123): GRHLVQNVRL[Glu113=]VPCDCRPGQK